The following is an entry in ClinVar:

ClinVar aggregate classification (germline): Uncertain significance. Review status: criteria provided, multiple submitters, no conflicts (2 of 4 stars). 3 submissions from 3 submitters: Uncertain significance (3). Last evaluated 2025-03-04.

Conditions:
Autosomal recessive severe congenital neutropenia due to JAGN1 deficiency. Also called: Severe congenital neutropenia 6, autosomal recessive. Identifiers: Orphanet 423384, MedGen C4014954, MONDO:0014456, OMIM 616022.

Allele frequency attached by ClinVar (database versions not stated): TOPMed 0.00002; ExAC 0.00003; gnomAD 0.00003; gnomAD exomes 0.00005; 1000 Genomes Project 30x 0.00031.

Submissions (3):

Center for Genomic Medicine, Rigshospitalet, Copenhagen University Hospital
Classification: Uncertain significance. Last evaluated: 2025-03-04. Review status: criteria provided, single submitter. Criteria: ACMG Guidelines, 2015. Collection method: clinical testing. Allele origin: germline.

Labcorp Genetics (formerly Invitae), Labcorp
Classification: Uncertain significance for Autosomal recessive severe congenital neutropenia due to JAGN1 deficiency. Last evaluated: 2022-09-19. Review status: criteria provided, single submitter. Criteria: Invitae Variant Classification Sherloc (09022015). Collection method: clinical testing. Allele origin: germline.
Comment: This sequence change replaces proline, which is neutral and non-polar, with serine, which is neutral and polar, at codon 71 of the JAGN1 protein (p.Pro71Ser). This variant is present in population databases (rs200023062, gnomAD 0.009%). This variant has not been reported in the literature in individuals affected with JAGN1-related conditions. ClinVar contains an entry for this variant (Variation ID: 1009400). Algorithms developed to predict the effect of missense changes on protein structure and function (SIFT, PolyPhen-2, Align-GVGD) all suggest that this variant is likely to be disruptive. In summary, the available evidence is currently insufficient to determine the role of this variant in disease. Therefore, it has been classified as a Variant of Uncertain Significance.

AiLife Diagnostics
Classification: Uncertain significance. Last evaluated: 2021-06-11. Review status: criteria provided, single submitter. Criteria: ACMG Guidelines, 2015. Collection method: clinical testing. Allele origin: germline. Affected: yes. Observed: 1 variant allele.

Literature cited by the submitters: PubMed 32783652 (cited by Center for Genomic Medicine, Rigshospitalet, Copenhagen University Hospital).

NM_032492.4(JAGN1):c.211C>T (p.Pro71Ser)

Gene: JAGN1 (jagunal homolog 1; plus strand). Cytogenetic location: 3p25.3.
Variant type: single nucleotide variant.
Coding change: c.211C>T on transcript NM_032492.4 (MANE Select); coding-DNA position 211, C replaced by T.
Protein change: p.Pro71Ser; replaces proline 71 with serine.
Molecular consequence: missense variant.
Genome position (GRCh38, 1-based): chr3:9,893,036, C>T. VCF-style: chr3-9893036-C-T. GRCh37 (hg19) VCF-style: chr3-9934720-C-T.
Other names: c.49C>T, p.Pro17Ser (NM_001363890.1); short protein forms P17S, P71S.
Identifiers: ClinVar variation 1009400 (VCV001009400.5), dbSNP rs200023062, ClinGen allele CA2245844.